The following is an entry in ClinVar:

ClinVar aggregate classification (germline): Uncertain significance (1 of 4 stars; one submission).

Conditions:
Hereditary nonpolyposis colorectal neoplasms. Identifiers: MedGen C0009405, MeSH D003123.

Submission:

Labcorp Genetics (formerly Invitae), Labcorp
Classification: Uncertain significance for Hereditary nonpolyposis colorectal neoplasms. Last evaluated: 2022-10-20. Review status: criteria provided, single submitter. Criteria: Invitae Variant Classification Sherloc (09022015). Collection method: clinical testing. Allele origin: germline.
Comment: This sequence change replaces valine, which is neutral and non-polar, with isoleucine, which is neutral and non-polar, at codon 564 of the PMS2 protein (p.Val564Ile). This variant is not present in population databases (gnomAD no frequency). This variant has not been reported in the literature in individuals affected with PMS2-related conditions. Advanced modeling of protein sequence and biophysical properties (such as structural, functional, and spatial information, amino acid conservation, physicochemical variation, residue mobility, and thermodynamic stability) performed at Invitae indicates that this missense variant is not expected to disrupt PMS2 protein function. In summary, the available evidence is currently insufficient to determine the role of this variant in disease. Therefore, it has been classified as a Variant of Uncertain Significance.

NM_000535.7(PMS2):c.1690G>A (p.Val564Ile)

Gene: PMS2 (PMS1 homolog 2, mismatch repair system component; minus strand). Cytogenetic location: 7p22.1.
Variant type: single nucleotide variant.
Coding change: c.1690G>A on transcript NM_000535.7 (MANE Select); coding-DNA position 1690, G replaced by A.
Protein change: p.Val564Ile; replaces valine 564 with isoleucine.
Molecular consequence: missense variant. On other transcripts: non-coding transcript variant (1).
Genome position (GRCh38, 1-based): chr7:5,987,075, C>T on the plus strand (G>A on the coding strand, the complement: PMS2 is on the minus strand). VCF-style: chr7-5987075-C-T. GRCh37 (hg19) VCF-style: chr7-6026706-C-T.
Other names: c.1714G>A, p.Val572Ile (NM_001406868.1); c.1582G>A, p.Val528Ile (NM_001406869.1); c.1534G>A, p.Val512Ile (NM_001406870.1, NM_001322006.2); c.1381G>A, p.Val461Ile (NM_001406875.1, NM_001406877.1, NM_001406878.1 and 5 more transcripts); c.1372G>A, p.Val458Ile (NM_001406876.1, NM_001406883.1, NM_001322007.2 and 2 more transcripts); c.1690G>A, p.Val564Ile (NM_001406871.1, NM_001406872.1, NM_001322014.2); c.1285G>A, p.Val429Ile (NM_001406889.1, NM_001406890.1, NM_001406887.1 and 17 more transcripts); c.1492G>A, p.Val498Ile (NM_001406873.1); and 12 more; short protein forms V253I, V307I, V393I, V429I, V458I, V461I, V512I, V409I.
Identifiers: ClinVar variation 1925273 (VCV001925273.5), dbSNP rs2535749420, ClinGen allele CA366741186.